The following is an entry in ClinVar:

ClinVar aggregate classification (germline): Uncertain significance. Review status: criteria provided, multiple submitters, no conflicts (2 of 4 stars). 3 submissions from 3 submitters: Uncertain significance (3). Last evaluated 2024-10-19.

Conditions:
Rienhoff syndrome. Also called: LOEYS-DIETZ SYNDROME 5. Identifiers: MedGen C3810012, MONDO:0014262, OMIM 615582.
Familial thoracic aortic aneurysm and aortic dissection (TAAD). Also called: Thoracic aortic aneurysms and dissections. Identifiers: Orphanet 91387, MedGen C4707243, MONDO:0019625.

Allele frequency attached by ClinVar (database versions not stated): gnomAD exomes below 0.00001; ExAC 0.00001.
gnomAD v4.1: 1 of 1,614,140 alleles (0.000062%); highest among the groups gnomAD compares: Non-Finnish European, 0.000085%; no homozygotes.

Submissions (3):

Ambry Genetics
Classification: Uncertain significance for Familial thoracic aortic aneurysm and aortic dissection. Last evaluated: 2024-10-19. Review status: criteria provided, single submitter. Criteria: Ambry Variant Classification Scheme 2023. Collection method: clinical testing. Allele origin: germline.
Comment: The p.E384G variant (also known as c.1151A>G), located in coding exon 7 of the TGFB3 gene, results from an A to G substitution at nucleotide position 1151. The glutamic acid at codon 384 is replaced by glycine, an amino acid with similar properties. This amino acid position is conserved. In addition, this alteration is predicted to be deleterious by in silico analysis. Based on the available evidence, the clinical significance of this variant remains unclear.

Labcorp Genetics (formerly Invitae), Labcorp
Classification: Uncertain significance for Rienhoff syndrome. Last evaluated: 2023-08-18. Review status: criteria provided, single submitter. Criteria: Invitae Variant Classification Sherloc (09022015). Collection method: clinical testing. Allele origin: germline.
Comment: This sequence change replaces glutamic acid, which is acidic and polar, with glycine, which is neutral and non-polar, at codon 384 of the TGFB3 protein (p.Glu384Gly). The frequency data for this variant in the population databases is considered unreliable, as metrics indicate poor data quality at this position in the gnomAD database. This variant has not been reported in the literature in individuals affected with TGFB3-related conditions. ClinVar contains an entry for this variant (Variation ID: 477631). Advanced modeling of protein sequence and biophysical properties (such as structural, functional, and spatial information, amino acid conservation, physicochemical variation, residue mobility, and thermodynamic stability) performed at Invitae indicates that this missense variant is not expected to disrupt TGFB3 protein function. In summary, the available evidence is currently insufficient to determine the role of this variant in disease. Therefore, it has been classified as a Variant of Uncertain Significance.

GeneDx
Classification: Uncertain significance. Last evaluated: 2020-06-25. Review status: criteria provided, single submitter. Criteria: GeneDx Variant Classification Process June 2021. Collection method: clinical testing. Allele origin: germline. Affected: yes.
Comment: Not observed in large population cohorts (Lek et al., 2016); In silico analysis, which includes protein predictors and evolutionary conservation, supports a deleterious effect; Has not been previously published as pathogenic or benign to our knowledge; A different missense variant at the same codon (E384K) has been reported in an individual with arrhythmogenic right ventricular cardiomyopathy, although specific clinical details and familial segregation data were not provided (Bao et al., 2013)

NM_003239.5(TGFB3):c.1151A>G (p.Glu384Gly)

Gene: TGFB3 (transforming growth factor beta 3; minus strand). Cytogenetic location: 14q24.3.
Variant type: single nucleotide variant.
Coding change: c.1151A>G on transcript NM_003239.5 (MANE Select); coding-DNA position 1151, A replaced by G.
Protein change: p.Glu384Gly; replaces glutamic acid 384 with glycine.
Molecular consequence: missense variant.
Genome position (GRCh38, 1-based): chr14:75,959,275, T>C on the plus strand (A>G on the coding strand, the complement: TGFB3 is on the minus strand). VCF-style: chr14-75959275-T-C. GRCh37 (hg19) VCF-style: chr14-76425618-T-C.
Other names: c.1151A>G, p.Glu384Gly (NM_001329939.2); short protein forms E384G.
Identifiers: ClinVar variation 477631 (VCV000477631.12), dbSNP rs777902992, ClinGen allele CA7280255.